The following is an entry in ClinVar:

NM_000400.4(ERCC2):c.1832-1G>T

Gene: ERCC2 (ERCC excision repair 2, TFIIH core complex helicase subunit; minus strand). Cytogenetic location: 19q13.32.
Variant type: single nucleotide variant.
Coding change: c.1832-1G>T on transcript NM_000400.4 (MANE Select); the canonical splice acceptor site of the intron before coding-DNA position 1832, G replaced by T.
Molecular consequence: splice acceptor variant.
Genome position (GRCh38, 1-based): chr19:45,352,817, C>A on the plus strand (G>T on the coding strand, the complement: ERCC2 is on the minus strand). VCF-style: chr19-45352817-C-A. GRCh37 (hg19) VCF-style: chr19-45856075-C-A.
Identifiers: ClinVar variation 2675046 (VCV002675046.4), dbSNP rs2514000372, ClinGen allele CA406363969.

ClinVar aggregate classification (germline): Likely pathogenic. Review status: criteria provided, multiple submitters, no conflicts (2 of 4 stars). 2 submissions from 2 submitters: Likely pathogenic (2). Last evaluated 2023-07-22.

Conditions:
Cerebrooculofacioskeletal syndrome 2 (COFS2). Identifiers: MedGen C1853102, MONDO:0012553, OMIM 610756.

Submissions (2):

Baylor Genetics
Classification: Likely pathogenic for Cerebrooculofacioskeletal syndrome 2. Last evaluated: 2023-07-22. Review status: criteria provided, single submitter. Criteria: ACMG Guidelines, 2015. Collection method: clinical testing. Allele origin: unknown.

Labcorp Genetics (formerly Invitae), Labcorp
Classification: Likely pathogenic. Last evaluated: 2023-07-19. Review status: criteria provided, single submitter. Criteria: Invitae Variant Classification Sherloc (09022015). Collection method: clinical testing. Allele origin: germline.
Comment: Algorithms developed to predict the effect of sequence changes on RNA splicing suggest that this variant may disrupt the consensus splice site. This sequence change affects an acceptor splice site in intron 19 of the ERCC2 gene. It is expected to disrupt RNA splicing. Variants that disrupt the donor or acceptor splice site typically lead to a loss of protein function (PMID: 16199547), and loss-of-function variants in ERCC2 are known to be pathogenic (PMID: 9238033, 11335038, 19085937, 19934020). This variant is not present in population databases (gnomAD no frequency). This variant has not been reported in the literature in individuals affected with ERCC2-related conditions. In summary, the currently available evidence indicates that the variant is pathogenic, but additional data are needed to prove that conclusively. Therefore, this variant has been classified as Likely Pathogenic.

Literature cited by the submitters: PubMed 16199547 (cited by Labcorp Genetics (formerly Invitae), Labcorp); PubMed 9238033 (cited by Labcorp Genetics (formerly Invitae), Labcorp); PubMed 11335038 (cited by Labcorp Genetics (formerly Invitae), Labcorp); PubMed 19085937 (cited by Labcorp Genetics (formerly Invitae), Labcorp); PubMed 19934020 (cited by Labcorp Genetics (formerly Invitae), Labcorp).